The following is an entry in ClinVar:

NM_004807.3(HS6ST1):c.592G>A (p.Val198Met)

Gene: HS6ST1 (heparan sulfate 6-O-sulfotransferase 1; minus strand). Cytogenetic location: 2q14.3.
Variant type: single nucleotide variant.
Coding change: c.592G>A on transcript NM_004807.3 (MANE Select); coding-DNA position 592, G replaced by A.
Protein change: p.Val198Met; replaces valine 198 with methionine.
Molecular consequence: missense variant.
Genome position (GRCh38, 1-based): chr2:128,268,806, C>T on the plus strand (G>A on the coding strand, the complement: HS6ST1 is on the minus strand). VCF-style: chr2-128268806-C-T. GRCh37 (hg19) VCF-style: chr2-129026380-C-T.
Other names: short protein forms V198M.
Identifiers: ClinVar variation 2038041 (VCV002038041.4), dbSNP rs2467762748, ClinGen allele CA348461767.

ClinVar aggregate classification (germline): Uncertain significance (1 of 4 stars; one submission).

Submission:

Labcorp Genetics (formerly Invitae), Labcorp
Classification: Uncertain significance. Last evaluated: 2025-12-15. Review status: criteria provided, single submitter. Criteria: Invitae Variant Classification Sherloc (09022015). Collection method: clinical testing. Allele origin: germline.
Comment: This sequence change replaces valine, which is neutral and non-polar, with methionine, which is neutral and non-polar, at codon 198 of the HS6ST1 protein (p.Val198Met). This variant is not present in population databases (gnomAD no frequency). This variant has not been reported in the literature in individuals affected with HS6ST1-related conditions. ClinVar contains an entry for this variant (Variation ID: 2038041). Invitae Evidence Modeling of protein sequence and biophysical properties (such as structural, functional, and spatial information, amino acid conservation, physicochemical variation, residue mobility, and thermodynamic stability) indicates that this missense variant is not expected to disrupt HS6ST1 protein function with a negative predictive value of 80%. In summary, the available evidence is currently insufficient to determine the role of this variant in disease. Therefore, it has been classified as a Variant of Uncertain Significance.